The following is an entry in ClinVar:

ClinVar aggregate classification (germline): Pathogenic. Review status: criteria provided, multiple submitters, no conflicts (2 of 4 stars). 2 submissions from 2 submitters: Pathogenic (2). Last evaluated 2026-06-15.

Conditions:
Cobalamin C disease. Also called: methylmalonic aciduria and homocystinuria type cblC; Methylmalonic aciduria and homocystinuria, Vitamin B12-responsive; Vitamin B12 metabolic defect with combined deficiency of methylmalonyl-CoA mutase and homocysteine:methyltetrahydrofolate methyltransferase; Methylmalonic aciduria with homocystinuria cblC type; Cobalamin-C methylmalonic acidemia and homocystinuria; Methylmalonic acidemia and homocystinuria cblC type. Identifiers: Orphanet 26, Orphanet 79282, MedGen C1848561, MONDO:0010184, OMIM 277400.
MMACHC-related disorder. Also called: MMACHC-related condition.

Submissions (2):

PreventionGenetics, part of Exact Sciences
Classification: Pathogenic for MMACHC-related condition. Last evaluated: 2026-06-15. Review status: criteria provided, single submitter. Criteria: ACMG Guidelines, 2015. Collection method: clinical testing. Allele origin: germline.
Comment: The MMACHC c.321_329delinsACACC variant is predicted to result in a frameshift and premature protein termination (p.Asn110Aspfs*13). To our knowledge, this exact variant has not been reported in the literature. However, the variant c.328_331delAACC results in the same frameshift (p.Asn110Aspfs*13) that has been previously established as pathogenic in ClinVar (Variation ID: 203835) and this and other similar frameshift variants starting at p.Asn110 have been reported in individuals with methylmalonic acidemia (De Biase et al. 2020. PubMed ID: 32533987; Hu and Kong, 2022. PubMed ID: 35361390; Su et al. 2024. PubMed ID: 38750596). This variant has not been reported in a large population database (gnomAD), indicating this variant is rare. Frameshift variants in MMACHC are expected to be pathogenic. This variant is interpreted as pathogenic.

Women's Health and Genetics/Laboratory Corporation of America, LabCorp
Classification: Pathogenic for Cobalamin C disease. Last evaluated: 2025-04-22. Review status: criteria provided, single submitter. Criteria: LabCorp Variant Classification Summary - May 2015. Collection method: clinical testing. Allele origin: germline.
Comment: Variant summary: MMACHC c.321_329delinsACACC (p.Asn110AspfsX13) results in a premature termination codon, predicted to cause a truncation of the encoded protein or absence of the protein due to nonsense mediated decay, which are commonly known mechanisms for disease. The variant was absent in 249456 control chromosomes. c.321_329delinsACACC has been observed in individual(s) affected with Methylmalonic Acidemia With Homocystinuria. These report(s) do not provide unequivocal conclusions about association of the variant with Methylmalonic Acidemia With Homocystinuria. To our knowledge, no experimental evidence demonstrating an impact on protein function has been reported. ClinVar contains an entry for this variant (Variation ID: 2504060). Based on the evidence outlined above, the variant was classified as pathogenic.

Literature cited by the submitters: PubMed 32533987 (cited by Women's Health and Genetics/Laboratory Corporation of America, LabCorp).

NM_015506.3(MMACHC):c.321_329delinsACACC (p.Asn110fs)

Gene: MMACHC (metabolism of cobalamin associated C; plus strand). Cytogenetic location: 1p34.1.
Variant type: Indel.
Coding change: c.321_329delinsACACC on transcript NM_015506.3 (MANE Select); coding-DNA positions 321 to 329, GCACCCCAA replaced by ACACC.
Protein change: p.Asn110fs; shifts the reading frame from asparagine 110.
Molecular consequence: frameshift variant.
Genome position (GRCh38, 1-based): chr1:45,508,256-45,508,264, GCACCCCAA replaced by ACACC. VCF-style: chr1-45508256-GCACCCCAA-ACACC. GRCh37 (hg19) VCF-style: chr1-45973928-GCACCCCAA-ACACC.
Other names: c.321_329delinsACACC (NM_015506.2); c.150_158delinsACACC, p.Asn53fs (NM_001330540.2); short protein forms N110fs, N53fs.
Identifiers: ClinVar variation 2504060 (VCV002504060.4), dbSNP rs2522824693, ClinGen allele CA2580611161.
Genomic context (GRCh38, chr1:45,508,256, plus strand): 5'-TTGTCCACTGTTCCAGAGCCTCCCAGAGCTGCAGATAGAAATCATTGCTGACTACGAGGT[GCACCCCAA>ACACC]CCGACGCCCCAAGATCCTGGCCCAGACAGCAGCCCATGTAGCTGGGGCTGCTTACTACTA-3'